The following is an entry in ClinVar:

NM_000443.4(ABCB4):c.2102T>C (p.Leu701Pro)

Gene: ABCB4 (ATP binding cassette subfamily B member 4; minus strand). Cytogenetic location: 7q21.12.
Variant type: single nucleotide variant.
Coding change: c.2102T>C on transcript NM_000443.4 (MANE Select); coding-DNA position 2102, T replaced by C.
Protein change: p.Leu701Pro; replaces leucine 701 with proline.
Molecular consequence: missense variant.
Genome position (GRCh38, 1-based): chr7:87,424,015, A>G on the plus strand (T>C on the coding strand, the complement: ABCB4 is on the minus strand). VCF-style: chr7-87424015-A-G. GRCh37 (hg19) VCF-style: chr7-87053331-A-G.
Other names: c.2102T>C, p.Leu701Pro (NM_018849.3, NM_018850.3); c.2102T>C (NM_000443.3); short protein forms L701P.
Identifiers: ClinVar variation 4846545 (VCV004846545.2).
Genomic context (GRCh38, chr7:87,424,015, plus strand): 5'-TTGGCAATGGCACATACTGTTCCCACGACAAAGTAGGGCCATTCTGTTTTATTCAGTTTC[A>G]GGACCTTCAGAAAGGACACTGGTGGCACATTTGCTTCCTAGAACATATAAACATCAGGGC-3'
Protein context (NP_000434.1, residues 691-711): NVPPVSFLKV[Leu701Pro]KLNKTEWPYF

ClinVar aggregate classification (germline): Uncertain significance. Review status: criteria provided, multiple submitters, no conflicts (2 of 4 stars). 2 submissions from 2 submitters: Uncertain significance (2). Last evaluated 2026-05-23.

Conditions:
ABCB4-related disorder. Also called: ABCB4-related disorders; ABCB4-related condition.
Familial intrahepatic cholestasis. Identifiers: Orphanet 284385, MedGen CN296401, MONDO:0017290.

gnomAD v4.1: 3 of 1,613,958 alleles (0.00019%); highest among the groups gnomAD compares: Non-Finnish European, 0.00025%; no homozygotes.

Submissions (2):

PreventionGenetics, part of Exact Sciences
Classification: Uncertain significance for ABCB4-related condition. Last evaluated: 2026-05-23. Review status: criteria provided, single submitter. Criteria: ACMG Guidelines, 2015. Collection method: clinical testing. Allele origin: germline.
Comment: The ABCB4 c.2102T>C variant is predicted to result in the amino acid substitution p.Leu701Pro. This variant was reported in an individual with progressive familial intrahepatic cholestasis in the compound heterozygous state with an ABCB4 loss-of-function variant (Degiorgio et al. 2007. PubMed ID: 17726488). This variant is reported in 0.00088% of alleles in individuals of European (Non-Finnish) descent in gnomAD. At this time, the clinical significance of this variant is uncertain due to the absence of conclusive functional and genetic evidence.

Genomenon, Inc
Classification: Uncertain significance for Familial intrahepatic cholestasis. Last evaluated: 2026-04-14. Review status: criteria provided, single submitter. Criteria: Genomenon Sequence Variant Interpretation Standards - Updated. Collection method: curation. Allele origin: germline. Affected: yes.
Comment: ABCB4 p.Leu701Pro (c.2102T>C) is a missense variant that changes the amino acid at residue 701 from Leucine to Proline. This variant has been observed in at least one proband with an ABCB4-related disorder (PMID:21119540). It has been observed in trans with a pathogenic or likely pathogenic variant (PMID:21119540). It is absent or not present at a significant frequency in gnomAD. In silico models predict that this variant is possibly or probably damaging. In conclusion, we classify ABCB4 p.Leu701Pro (c.2102T>C) as a variant of uncertain significance.

Literature cited by the submitters: PubMed 21119540 (cited by Genomenon, Inc).